The following is an entry in ClinVar:

ClinVar aggregate classification (germline): Uncertain significance (1 of 4 stars; one submission).

Conditions:
Congenital anomalies of kidney and urinary tract 1. Also called: Renal hypodysplasia, nonsyndromic, 1; Congenital anomalies of kidney and urinary tract 1, susceptibility to. Identifiers: MedGen C1835826, MONDO:0012561, OMIM 610805.

gnomAD v4.1: 3 of 1,614,018 alleles (0.00019%); highest among the groups gnomAD compares: South Asian, 0.0011%; no homozygotes.

Submission:

Kasturba Medical College, Manipal, Kasturba Medical College, Manipal, Manipal Academy of Higher Education, Manipal, India
Classification: Uncertain significance for Congenital anomalies of kidney and urinary tract 1. Review status: criteria provided, single submitter. Criteria: ACMG Guidelines, 2015. Collection method: research. Allele origin: maternal. Inheritance: Autosomal dominant inheritance. Affected: yes. Observed: 1 heterozygote.
Comment: It is not observed in any individual in gnomAD population database and our in-house database of 1683 exomes. Splice prediction tools like Human splice finder (HSF) and Splice AI did not show any significant splicing effect. Splicing, nonsense and missense variants in DSTYK are known to cause congenital anomalies of kidney and urinary tract. Incomplete penetrance is known in this condition.

NM_015375.3(DSTYK):c.1819-18T>A

Gene: DSTYK (dual serine/threonine and tyrosine protein kinase; minus strand). Cytogenetic location: 1q32.1.
Variant type: single nucleotide variant.
Coding change: c.1819-18T>A on transcript NM_015375.3 (MANE Select); 18 bases into the intron before coding-DNA position 1819, T replaced by A.
Molecular consequence: intron variant.
Genome position (GRCh38, 1-based): chr1:205,161,405, A>T on the plus strand (T>A on the coding strand, the complement: DSTYK is on the minus strand). VCF-style: chr1-205161405-A-T. GRCh37 (hg19) VCF-style: chr1-205130533-A-T.
Other names: c.1819-18T>A (NM_199462.3).
Identifiers: ClinVar variation 3900618 (VCV003900618.1).